The following is an entry in ClinVar:

NM_004484.4(GPC3):c.871G>A (p.Glu291Lys)

Gene: GPC3 (glypican 3; minus strand). Cytogenetic location: Xq26.2.
Variant type: single nucleotide variant.
Coding change: c.871G>A on transcript NM_004484.4 (MANE Select); coding-DNA position 871, G replaced by A.
Protein change: p.Glu291Lys; replaces glutamic acid 291 with lysine.
Molecular consequence: missense variant.
Genome position (GRCh38, 1-based): chrX:133,753,643, C>T on the plus strand (G>A on the coding strand, the complement: GPC3 is on the minus strand). VCF-style: chrX-133753643-C-T. GRCh37 (hg19) VCF-style: chrX-132887670-C-T.
Other names: c.871G>A, p.Glu291Lys (NM_001164617.2); c.823G>A, p.Glu275Lys (NM_001164618.2); c.709G>A, p.Glu237Lys (NM_001164619.2); short protein forms E237K, E275K, E291K.
Identifiers: ClinVar variation 1314317 (VCV001314317.3), dbSNP rs12833276, ClinGen allele CA335981506.

ClinVar aggregate classification (germline): Uncertain significance (1 of 4 stars; one submission).

Submission:

GeneDx
Classification: Uncertain significance. Last evaluated: 2024-04-30. Review status: criteria provided, single submitter. Criteria: GeneDx Variant Classification Process June 2021. Collection method: clinical testing. Allele origin: germline. Affected: yes.
Comment: Has not been previously published as pathogenic or benign to our knowledge; Not observed at significant frequency in large population cohorts (gnomAD); In silico analysis supports that this missense variant has a deleterious effect on protein structure/function; Missense variant in a gene in which most reported pathogenic variants are truncating/loss of function